The following is an entry in ClinVar:

ClinVar aggregate classification (germline): Uncertain significance. Review status: criteria provided, multiple submitters, no conflicts (2 of 4 stars). 4 submissions from 4 submitters: Uncertain significance (4). Last evaluated 2025-11-01.

Conditions:
Inborn genetic diseases. Identifiers: MedGen C0950123, MeSH D030342.

Allele frequency attached by ClinVar (database versions not stated): gnomAD 0.00014 and 0.00015; ExAC 0.00019; ESP Exome Variant Server 0.00025.
gnomAD v4.1: 359 of 1,606,612 alleles (0.022%); highest among the groups gnomAD compares: Non-Finnish European, 0.027%; no homozygotes.

Submissions (4):

CeGaT Center for Human Genetics Tuebingen
Classification: Uncertain significance. Last evaluated: 2025-11-01. Review status: criteria provided, single submitter. Criteria: CeGaT Center For Human Genetics Tuebingen Variant Classification Criteria Version 2. Collection method: clinical testing. Allele origin: germline. Affected: yes. Observed: 1 variant allele.
Comment: HOXD13: PM2:Supporting, PS4:Supporting

Labcorp Genetics (formerly Invitae), Labcorp
Classification: Uncertain significance. Last evaluated: 2025-10-19. Review status: criteria provided, single submitter. Criteria: Invitae Variant Classification Sherloc (09022015). Collection method: clinical testing. Allele origin: germline.
Comment: This sequence change replaces serine, which is neutral and polar, with tryptophan, which is neutral and slightly polar, at codon 87 of the HOXD13 protein (p.Ser87Trp). This variant is present in population databases (rs139995491, gnomAD 0.04%), and has an allele count higher than expected for a pathogenic variant. This missense change has been observed in individual(s) with clinical features of synpolydactyly (PMID: 37427568). ClinVar contains an entry for this variant (Variation ID: 1307099). An algorithm developed to predict the effect of missense changes on protein structure and function (PolyPhen-2) suggests that this variant is likely to be disruptive. In summary, the available evidence is currently insufficient to determine the role of this variant in disease. Therefore, it has been classified as a Variant of Uncertain Significance.

GeneDx
Classification: Uncertain significance. Last evaluated: 2023-02-21. Review status: criteria provided, single submitter. Criteria: GeneDx Variant Classification Process June 2021. Collection method: clinical testing. Allele origin: germline. Affected: yes.
Comment: In silico analysis, which includes protein predictors and evolutionary conservation, supports that this variant does not alter protein structure/function; Has not been previously published as pathogenic or benign to our knowledge

Ambry Genetics
Classification: Uncertain significance for Inborn genetic diseases. Last evaluated: 2021-12-14. Review status: criteria provided, single submitter. Criteria: Ambry Variant Classification Scheme 2023. Collection method: clinical testing. Allele origin: germline.

Literature cited by the submitters: PubMed 37427568 (cited by Labcorp Genetics (formerly Invitae), Labcorp).

NM_000523.4(HOXD13):c.260C>G (p.Ser87Trp)

Gene: HOXD13 (homeobox D13; plus strand). Cytogenetic location: 2q31.1.
Variant type: single nucleotide variant.
Coding change: c.260C>G on transcript NM_000523.4 (MANE Select); coding-DNA position 260, C replaced by G.
Protein change: p.Ser87Trp; replaces serine 87 with tryptophan.
Molecular consequence: missense variant.
Genome position (GRCh38, 1-based): chr2:176,093,150, C>G. VCF-style: chr2-176093150-C-G. GRCh37 (hg19) VCF-style: chr2-176957878-C-G.
Other names: short protein forms S87W.
Identifiers: ClinVar variation 1307099 (VCV001307099.11), dbSNP rs139995491, ClinGen allele CA1976554.